The following is an entry in ClinVar:

NM_005245.4(FAT1):c.7862G>C (p.Ser2621Thr)

Gene: FAT1 (FAT atypical cadherin 1; minus strand). Cytogenetic location: 4q35.2.
Variant type: single nucleotide variant.
Coding change: c.7862G>C on transcript NM_005245.4 (MANE Select); coding-DNA position 7862, G replaced by C.
Protein change: p.Ser2621Thr; replaces serine 2621 with threonine.
Molecular consequence: missense variant.
Genome position (GRCh38, 1-based): chr4:186,618,724, C>G on the plus strand (G>C on the coding strand, the complement: FAT1 is on the minus strand). VCF-style: chr4-186618724-C-G. GRCh37 (hg19) VCF-style: chr4-187539878-C-G.
Other names: short protein forms S2621T.
Identifiers: ClinVar variation 2050459 (VCV002050459.4), dbSNP rs772990031, ClinGen allele CA3165985.
Genomic context (GRCh38, chr4:186,618,724, plus strand): 5'-CTTTCAGAGTCTGCTTCAATGGCATAGGTGATGTCGGCATTGGAGCCCTCATCGGCATCA[C>G]TTGCAAGAACTTTAACGACTGAAGTCCCTTTAGCAGCACTGGACCCGATATTCACTTCGT-3'
Protein context (NP_005236.2, residues 2611-2631): KGTSVVKVLA[Ser2621Thr]DADEGSNADI

ClinVar aggregate classification (germline): Uncertain significance (1 of 4 stars; one submission).

Allele frequency attached by ClinVar (database versions not stated): ExAC 0.00001; TOPMed 0.00002; gnomAD 0.00001.
gnomAD v4.1: 8 of 1,613,930 alleles (0.0005%); highest among the groups gnomAD compares: Admixed American, 0.012%; no homozygotes.

Submission:

Labcorp Genetics (formerly Invitae), Labcorp
Classification: Uncertain significance. Last evaluated: 2022-06-04. Review status: criteria provided, single submitter. Criteria: Invitae Variant Classification Sherloc (09022015). Collection method: clinical testing. Allele origin: germline.
Comment: This variant is present in population databases (rs772990031, gnomAD 0.01%). This sequence change replaces serine, which is neutral and polar, with threonine, which is neutral and polar, at codon 2621 of the FAT1 protein (p.Ser2621Thr). This variant has not been reported in the literature in individuals affected with FAT1-related conditions. Algorithms developed to predict the effect of missense changes on protein structure and function (SIFT, PolyPhen-2, Align-GVGD) all suggest that this variant is likely to be disruptive. In summary, the available evidence is currently insufficient to determine the role of this variant in disease. Therefore, it has been classified as a Variant of Uncertain Significance.